The following is an entry in ClinVar:

ClinVar aggregate classification (germline): Conflicting classifications of pathogenicity. Review status: criteria provided, conflicting classifications (1 of 4 stars). 3 submissions from 3 submitters: Pathogenic (1); Uncertain significance (2). Last evaluated 2024-09-27.

Conditions:
WASHC5-related disorder. Also called: WASHC5-related condition.
Ritscher-Schinzel syndrome. Also called: CRANIOCEREBELLOCARDIAC DYSPLASIA. Identifiers: Orphanet 7, MedGen C0796137, MONDO:0019078.
Hereditary spastic paraplegia 8 (SPG8). Also called: SPASTIC PARAPLEGIA 8, AUTOSOMAL DOMINANT. Identifiers: Orphanet 100989, MedGen C1863704, MONDO:0011339, OMIM 603563.

Allele frequency attached by ClinVar (database versions not stated): gnomAD exomes 0.00001; TOPMed below 0.00001.
gnomAD v4.1: 8 of 1,613,880 alleles (0.0005%); highest among the groups gnomAD compares: Non-Finnish European, 0.00068%; no homozygotes.

Submissions (3):

Labcorp Genetics (formerly Invitae), Labcorp
Classification: Pathogenic for Ritscher-Schinzel syndrome; Hereditary spastic paraplegia 8. Last evaluated: 2024-09-27. Review status: criteria provided, single submitter. Criteria: Invitae Variant Classification Sherloc (09022015). Collection method: clinical testing. Allele origin: germline.
Comment: This sequence change creates a premature translational stop signal (p.Gln342*) in the WASHC5 gene. It is expected to result in an absent or disrupted protein product. Loss-of-function variants in WASHC5 are known to be pathogenic (PMID: 24065355). This variant is present in population databases (no rsID available, gnomAD 0.002%). This variant has not been reported in the literature in individuals affected with WASHC5-related conditions. ClinVar contains an entry for this variant (Variation ID: 2500542). Algorithms developed to predict the effect of sequence changes on RNA splicing suggest that this variant may disrupt the consensus splice site. For these reasons, this variant has been classified as Pathogenic.

PreventionGenetics, part of Exact Sciences
Classification: Uncertain significance for WASHC5-related condition. Last evaluated: 2023-08-11. Review status: criteria provided, single submitter. Criteria: ACMG Guidelines, 2015. Collection method: clinical testing. Allele origin: germline.
Comment: The WASHC5 c.1024C>T variant is predicted to result in premature protein termination (p.Gln342*). To our knowledge, this variant has not been reported in the literature. This variant is reported in 0.0018% of alleles in individuals of European (Non-Finnish) descent in gnomAD. At this time, the clinical significance of this variant is uncertain due to the absence of conclusive functional and genetic evidence.

GeneDx
Classification: Uncertain significance. Last evaluated: 2022-10-27. Review status: criteria provided, single submitter. Criteria: GeneDx Variant Classification Process June 2021. Collection method: clinical testing. Allele origin: germline. Affected: yes.
Comment: Nonsense variant predicted to result in protein truncation or nonsense mediated decay in a gene or region of a gene for which loss of function is not a well-established mechanism of disease; Not observed at significant frequency in large population cohorts (gnomAD); Has not been previously published as pathogenic or benign to our knowledge

Literature cited by the submitters: PubMed 24065355 (cited by Labcorp Genetics (formerly Invitae), Labcorp).

NM_014846.4(WASHC5):c.1024C>T (p.Gln342Ter)

Gene: WASHC5 (WASH complex subunit 5; minus strand). Cytogenetic location: 8q24.13.
Variant type: single nucleotide variant.
Coding change: c.1024C>T on transcript NM_014846.4 (MANE Select); coding-DNA position 1024, C replaced by T.
Protein change: p.Gln342Ter; replaces glutamine 342 with a stop codon.
Molecular consequence: nonsense.
Genome position (GRCh38, 1-based): chr8:125,073,279, G>A on the plus strand (C>T on the coding strand, the complement: WASHC5 is on the minus strand). VCF-style: chr8-125073279-G-A. GRCh37 (hg19) VCF-style: chr8-126085521-G-A.
Other names: c.580C>T, p.Gln194Ter (NM_001330609.2); short protein forms Q194*, Q342*.
Identifiers: ClinVar variation 2500542 (VCV002500542.4), dbSNP rs1296153120, ClinGen allele CA372194349.